The following is an entry in ClinVar:

NM_004204.5(PIGQ):c.1130C>T (p.Ala377Val)

Gene: PIGQ (phosphatidylinositol glycan anchor biosynthesis class Q; plus strand). Cytogenetic location: 16p13.3.
Variant type: single nucleotide variant.
Coding change: c.1130C>T on transcript NM_004204.5 (MANE Select); coding-DNA position 1130, C replaced by T.
Protein change: p.Ala377Val; replaces alanine 377 with valine.
Molecular consequence: missense variant.
Genome position (GRCh38, 1-based): chr16:578,845, C>T. VCF-style: chr16-578845-C-T. GRCh37 (hg19) VCF-style: chr16-628845-C-T.
Other names: c.1130C>T, p.Ala377Val (NM_148920.4); short protein forms A377V.
Identifiers: ClinVar variation 572786 (VCV000572786.10), dbSNP rs1567176628, ClinGen allele CA394056917.

ClinVar aggregate classification (germline): Uncertain significance (1 of 4 stars; one submission).

Conditions:
Epilepsy. Also called: Seizure disorder. Identifiers: MedGen C0014544, MeSH D004827, MONDO:0005027.

Submission:

Labcorp Genetics (formerly Invitae), Labcorp
Classification: Uncertain significance for Epilepsy. Last evaluated: 2021-02-21. Review status: criteria provided, single submitter. Criteria: Invitae Variant Classification Sherloc (09022015). Collection method: clinical testing. Allele origin: germline.
Comment: In summary, the available evidence is currently insufficient to determine the role of this variant in disease. Therefore, it has been classified as a Variant of Uncertain Significance. Algorithms developed to predict the effect of sequence changes on RNA splicing suggest that this variant may create or strengthen a splice site, but this prediction has not been confirmed by published transcriptional studies. Algorithms developed to predict the effect of missense changes on protein structure and function (SIFT, PolyPhen-2, Align-GVGD) all suggest that this variant is likely to be tolerated, but these predictions have not been confirmed by published functional studies and their clinical significance is uncertain. This variant has not been reported in the literature in individuals with PIGQ-related conditions. ClinVar contains an entry for this variant (Variation ID: 572786). This variant is not present in population databases (ExAC no frequency). This sequence change replaces alanine with valine at codon 377 of the PIGQ protein (p.Ala377Val). The alanine residue is moderately conserved and there is a small physicochemical difference between alanine and valine.